The following is an entry in ClinVar:

NC_000015.10:g.59372979A>C

Gene: MYO1E (myosin IE; minus strand). Cytogenetic location: 15q22.2.
Variant type: single nucleotide variant.
Genome position: GRCh38 VCF-style: chr15-59372979-A-C. GRCh37 (hg19) VCF-style: chr15-59665178-A-C.
Identifiers: ClinVar variation 1706778 (VCV001706778.3), dbSNP rs111309933, ClinGen allele CA271460179.

ClinVar aggregate classification (germline): Likely benign (1 of 4 stars; one submission).

Allele frequency attached by ClinVar (database versions not stated): gnomAD exomes 0.00202; gnomAD 0.00590; TOPMed 0.00610; 1000 Genomes Project 30x 0.00734; 1000 Genomes Project 0.00779.

Submission:

GeneDx
Classification: Likely benign. Last evaluated: 2019-11-29. Review status: criteria provided, single submitter. Criteria: GeneDx Variant Classification Process June 2021. Collection method: clinical testing. Allele origin: germline. Affected: yes.
Comment: See Variant Classification Assertion Criteria.